The following is an entry in ClinVar:

NM_000064.4(C3):c.682+6A>G

Gene: C3 (complement C3; minus strand). Cytogenetic location: 19p13.3.
Variant type: single nucleotide variant.
Coding change: c.682+6A>G on transcript NM_000064.4 (MANE Select); 6 bases into the intron after coding-DNA position 682, A replaced by G.
Molecular consequence: intron variant.
Genome position (GRCh38, 1-based): chr19:6,714,160, T>C on the plus strand (A>G on the coding strand, the complement: C3 is on the minus strand). VCF-style: chr19-6714160-T-C. GRCh37 (hg19) VCF-style: chr19-6714171-T-C.
Identifiers: ClinVar variation 3614032 (VCV003614032.2).

ClinVar aggregate classification (germline): Uncertain significance (1 of 4 stars; one submission).

Submission:

Labcorp Genetics (formerly Invitae), Labcorp
Classification: Uncertain significance. Last evaluated: 2024-04-06. Review status: criteria provided, single submitter. Criteria: Invitae Variant Classification Sherloc (09022015). Collection method: clinical testing. Allele origin: germline.
Comment: This sequence change falls in intron 6 of the C3 gene. It does not directly change the encoded amino acid sequence of the C3 protein. It affects a nucleotide within the consensus splice site. This variant is not present in population databases (gnomAD no frequency). This variant has not been reported in the literature in individuals affected with C3-related conditions. Variants that disrupt the consensus splice site are a relatively common cause of aberrant splicing (PMID: 17576681, 9536098). Algorithms developed to predict the effect of sequence changes on RNA splicing suggest that this variant may create or strengthen a splice site. In summary, the available evidence is currently insufficient to determine the role of this variant in disease. Therefore, it has been classified as a Variant of Uncertain Significance.

Literature cited by the submitters: PubMed 17576681; PubMed 9536098.